The following is an entry in ClinVar:

ClinVar aggregate classification (germline): Pathogenic (1 of 4 stars; one submission).

Conditions:
Mucopolysaccharidosis, MPS-IV-A (MPS4A). Also called: MORQUIO SYNDROME A; GALACTOSAMINE-6-SULFATASE DEFICIENCY; GALNS DEFICIENCY; MORQUIO A DISEASE; MPS IVA; Mucopolysaccharidosis type IV A. Identifiers: Orphanet 309297, Orphanet 582, MedGen C0086651, MONDO:0009659, OMIM 253000.

Submission:

Department of Genetics and Endocrinology, Guangzhou Women and Children’s Medical Center
Classification: Pathogenic for Mucopolysaccharidosis, MPS-IV-A. Last evaluated: 2026-08-20. Review status: criteria provided, single submitter. Criteria: ACMG Guidelines, 2015. Collection method: clinical testing. Allele origin: germline. Affected: yes.
Comment: PVS1: complex deletion spanning exon 13/intron 13 junction, destroys donor splice site and causes frameshift (p.Ala492Glufs*8); PM2: absent from population databases (gnomAD); PP4: patient phenotype is highly specific for MPS IVA.

NM_000512.5(GALNS):c.1475_1482+1del

Genes: GALNS (galactosamine (N-acetyl)-6-sulfatase; minus strand), LOC126862447 (CDK7 strongly-dependent group 2 enhancer GRCh37_chr16:88884193-88885392; plus strand). Cytogenetic location: 16q24.3.
Variant type: Deletion.
Coding change: c.1475_1482+1del on transcript NM_000512.5 (MANE Select); coding-DNA position 1475 through the canonical splice donor site of the intron after coding-DNA position 1482, 9 bases deleted (CGGTCATGG; older notation c.1475_1482+1delCGGTCATGG).
Molecular consequence: splice donor variant.
Genome position (GRCh38, 1-based): chr16:88,818,006-88,818,014, CCATGACCG deleted on the plus strand (CGGTCATGG on the coding strand, the reverse complement: GALNS is on the minus strand); deleting any 9 consecutive bases within chr16:88,818,006-88,818,016 gives the same sequence; the c. name uses the placement nearest the transcript's 3' end. VCF-style (leftmost placement, unchanged base first): chr16-88818005-ACCATGACCG-A. GRCh37 (hg19) VCF-style: chr16-88884413-ACCATGACCG-A.
Other names: c.920_927+1del (NM_001323543.2); c.1493_1500+1del (NM_001323544.2).
Identifiers: ClinVar variation 4886994 (VCV004886994.1).